The following is an entry in ClinVar:

ClinVar aggregate classification (germline): Likely pathogenic (1 of 4 stars; one submission).

Conditions:
Familial intrahepatic cholestasis. Identifiers: Orphanet 284385, MedGen CN296401, MONDO:0017290.

Submission:

Genomenon, Inc
Classification: Likely pathogenic for Familial intrahepatic cholestasis. Last evaluated: 2026-04-14. Review status: criteria provided, single submitter. Criteria: Genomenon Sequence Variant Interpretation Standards - Updated. Collection method: curation. Allele origin: germline. Affected: no.
Comment: ATP8B1 c.2097+1G>A is a canonical splice variant affecting the donor splice site of intron 18. It is predicted to affect mRNA splicing, leading to a deleterious effect on the ATP8B1 protein. This variant has been reported in the published literature (PMID:35626323). It is absent or not present at a significant frequency in gnomAD. In conclusion, we classify ATP8B1 c.2097+1G>A as a likely pathogenic variant.

Literature cited by the submitters: PubMed 35626323.

NM_001374385.1(ATP8B1):c.2097+1G>A

Gene: ATP8B1 (ATPase phospholipid transporting 8B1; minus strand). Cytogenetic location: 18q21.31.
Variant type: single nucleotide variant.
Coding change: c.2097+1G>A on transcript NM_001374385.1 (MANE Select); the canonical splice donor site of the intron after coding-DNA position 2097, G replaced by A.
Molecular consequence: splice donor variant.
Genome position (GRCh38, 1-based): chr18:57,669,317, C>T on the plus strand (G>A on the coding strand, the complement: ATP8B1 is on the minus strand). VCF-style: chr18-57669317-C-T. GRCh37 (hg19) VCF-style: chr18-55336549-C-T.
Other names: c.2097+1G>A (NM_005603.6); c.1947+1G>A (NM_001374386.1).
Identifiers: ClinVar variation 4846272 (VCV004846272.1).
Genomic context (GRCh38, chr18:57,669,317, plus strand): 5'-TAATAAAAATTTCAATTCTGCTTAGAATATCAAAGAAAAAGTTATTAAGGCTAAAACTCA[C>T]AATTAAGTCTTTTTCAATCTCCTCATATACTTTATCCAGAGCTTCGTCCCGGTTGGTGGA-3'